The following is an entry in ClinVar:

NM_022773.4(LMF1):c.1069C>G (p.Pro357Ala)

Gene: LMF1 (lipase maturation factor 1; minus strand). Cytogenetic location: 16p13.3.
Variant type: single nucleotide variant.
Coding change: c.1069C>G on transcript NM_022773.4 (MANE Select); coding-DNA position 1069, C replaced by G.
Protein change: p.Pro357Ala; replaces proline 357 with alanine.
Molecular consequence: missense variant. On other transcripts: non-coding transcript variant (1).
Genome position (GRCh38, 1-based): chr16:871,170, G>C on the plus strand (C>G on the coding strand, the complement: LMF1 is on the minus strand). VCF-style: chr16-871170-G-C. GRCh37 (hg19) VCF-style: chr16-921170-G-C.
Other names: c.418C>G, p.Pro140Ala (NM_001352017.2, NM_001352021.2); c.670C>G, p.Pro224Ala (NM_001352018.2); c.742C>G, p.Pro248Ala (NM_001352019.2); c.1069C>G, p.Pro357Ala (NM_001352020.1); short protein forms P248A, P357A, P224A, P140A.
Identifiers: ClinVar variation 2451800 (VCV002451800.2), dbSNP rs376657106, ClinGen allele CA276576395.

ClinVar aggregate classification (germline): Uncertain significance (1 of 4 stars; one submission).

Conditions:
Cardiovascular phenotype. Identifiers: MedGen CN230736.

Submission:

Ambry Genetics
Classification: Uncertain significance for Cardiovascular phenotype. Last evaluated: 2022-12-25. Review status: criteria provided, single submitter. Criteria: Ambry Variant Classification Scheme 2023. Collection method: clinical testing. Allele origin: germline.
Comment: The p.P357A variant (also known as c.1069C>G), located in coding exon 7 of the LMF1 gene, results from a C to G substitution at nucleotide position 1069. The proline at codon 357 is replaced by alanine, an amino acid with highly similar properties. This amino acid position is conserved. In addition, this alteration is predicted to be tolerated by in silico analysis. Since supporting evidence is limited at this time, the clinical significance of this alteration remains unclear.